The following is an entry in ClinVar:

NM_001164508.2(NEB):c.24546del (p.Arg8183fs)

Genes: NEB (nebulin; minus strand), RIF1 (replication timing regulatory factor 1; plus strand). Cytogenetic location: 2q23.3.
Variant type: Deletion.
Coding change: c.24546del on transcript NM_001164508.2 (MANE Select); coding-DNA position 24546, one base deleted (G; older notation c.24546delG).
Protein change: p.Arg8183fs; shifts the reading frame from arginine 8183.
Molecular consequence: frameshift variant.
Genome position (GRCh38, 1-based): chr2:151,494,194, C deleted on the plus strand (G on the coding strand, the reverse complement: NEB is on the minus strand). VCF-style (leftmost placement, unchanged base first): chr2-151494193-TC-T. GRCh37 (hg19) VCF-style: chr2-152350707-TC-T.
Other names: c.24546del, p.Arg8183fs (NM_001164507.2); c.24651del, p.Arg8218fs (NM_001271208.2); c.18978del, p.Arg6327fs (NM_004543.5); short protein forms R6327fs, R8218fs, R8183fs.
Identifiers: ClinVar variation 2846057 (VCV002846057.3), dbSNP rs2551740587, ClinGen allele CA2739271426.
Genomic context (GRCh38, chr2:151,494,193, plus strand): 5'-AAAGCACTTTTGTTTCTCAAGACAATACCGAGCTAATGTTTTCTTGATTGCGTTTGACTC[TC>T]TGCATCTCAGGAGTGACAGGGGTTGCGGTGGCTTTCCCCACATTTTCTTTGTACAAAACC-3'

ClinVar aggregate classification (germline): Pathogenic (1 of 4 stars; one submission).

Conditions:
Nemaline myopathy 2 (NEM2). Also called: Nemaline myopathy 2, autosomal recessive. Identifiers: MedGen C1850569, MONDO:0009725, OMIM 256030.

Submission:

Labcorp Genetics (formerly Invitae), Labcorp
Classification: Pathogenic for Nemaline myopathy 2. Last evaluated: 2023-03-27. Review status: criteria provided, single submitter. Criteria: Invitae Variant Classification Sherloc (09022015). Collection method: clinical testing. Allele origin: germline.
Comment: For these reasons, this variant has been classified as Pathogenic. This variant has not been reported in the literature in individuals affected with NEB-related conditions. This variant is not present in population databases (gnomAD no frequency). This sequence change creates a premature translational stop signal (p.Arg8218Glufs*33) in the NEB gene. It is expected to result in an absent or disrupted protein product. Loss-of-function variants in NEB are known to be pathogenic (PMID: 25205138).

Literature cited by the submitters: PubMed 25205138.